The following is an entry in ClinVar:

NC_000019.9:g.(?_45873774)_(45873798_?)del

Gene: ERCC2 (ERCC excision repair 2, TFIIH core complex helicase subunit; minus strand). Cytogenetic location: 19q13.32.
Variant type: Deletion.
Identifiers: ClinVar variation 3242638 (VCV003242638.1).

ClinVar aggregate classification (germline): Pathogenic (1 of 4 stars; one submission).

Submission:

Labcorp Genetics (formerly Invitae), Labcorp
Classification: Pathogenic. Last evaluated: 2024-01-06. Review status: criteria provided, single submitter. Criteria: Invitae Variant Classification Sherloc (09022015). Collection method: clinical testing. Allele origin: unknown.
Comment: This variant is a gross deletion of the genomic region encompassing exon(s) 1 of the ERCC2 gene, which includes the initiator codon. This deletion extends beyond the assayed region for this gene and therefore may encompass additional genes. It is expected to result in an absent or disrupted protein product. Loss-of-function variants in ERCC2 are known to be pathogenic (PMID: 9238033, 11335038, 19085937, 19934020). This variant has not been reported in the literature in individuals affected with ERCC2-related conditions. For these reasons, this variant has been classified as Pathogenic.

Literature cited by the submitters: PubMed 9238033; PubMed 11335038; PubMed 19085937; PubMed 19934020.